The following is an entry in ClinVar:

NM_182931.3(KMT2E):c.4154G>A (p.Ser1385Asn)

Gene: KMT2E (lysine methyltransferase 2E (inactive); plus strand). Cytogenetic location: 7q22.3.
Variant type: single nucleotide variant.
Coding change: c.4154G>A on transcript NM_182931.3 (MANE Select); coding-DNA position 4154, G replaced by A.
Protein change: p.Ser1385Asn; replaces serine 1385 with asparagine.
Molecular consequence: missense variant.
Genome position (GRCh38, 1-based): chr7:105,111,910, G>A. VCF-style: chr7-105111910-G-A. GRCh37 (hg19) VCF-style: chr7-104752357-G-A.
Other names: c.4028G>A, p.Ser1343Asn (NM_001410908.1); c.4154G>A, p.Ser1385Asn (NM_018682.4); short protein forms S1385N, S1343N.
Identifiers: ClinVar variation 3666874 (VCV003666874.2).

ClinVar aggregate classification (germline): Uncertain significance (1 of 4 stars; one submission).

gnomAD v4.1: 27 of 1,614,030 alleles (0.0017%); highest among the groups gnomAD compares: Non-Finnish European, 0.002%; no homozygotes.

Submission:

Labcorp Genetics (formerly Invitae), Labcorp
Classification: Uncertain significance. Last evaluated: 2024-01-29. Review status: criteria provided, single submitter. Criteria: Invitae Variant Classification Sherloc (09022015). Collection method: clinical testing. Allele origin: germline.
Comment: This sequence change replaces serine, which is neutral and polar, with asparagine, which is neutral and polar, at codon 1385 of the KMT2E protein (p.Ser1385Asn). This variant is present in population databases (rs376885579, gnomAD 0.003%). This variant has not been reported in the literature in individuals affected with KMT2E-related conditions. Advanced modeling of protein sequence and biophysical properties (such as structural, functional, and spatial information, amino acid conservation, physicochemical variation, residue mobility, and thermodynamic stability) performed at Invitae indicates that this missense variant is not expected to disrupt KMT2E protein function with a negative predictive value of 80%. In summary, the available evidence is currently insufficient to determine the role of this variant in disease. Therefore, it has been classified as a Variant of Uncertain Significance.